The following is an entry in ClinVar:

NM_001077653.2(TBX20):c.890+1G>A

Gene: TBX20 (T-box transcription factor 20; minus strand). Cytogenetic location: 7p14.2.
Variant type: single nucleotide variant.
Coding change: c.890+1G>A on transcript NM_001077653.2 (MANE Select); the canonical splice donor site of the intron after coding-DNA position 890, G replaced by A.
Molecular consequence: splice donor variant. On other transcripts: synonymous variant (1).
Genome position (GRCh38, 1-based): chr7:35,231,503, C>T on the plus strand (G>A on the coding strand, the complement: TBX20 is on the minus strand). VCF-style: chr7-35231503-C-T. GRCh37 (hg19) VCF-style: chr7-35271115-C-T.
Other names: c.891G>A, p.Arg297= (NM_001166220.1).
Identifiers: ClinVar variation 4706268 (VCV004706268.1).

ClinVar aggregate classification (germline): Likely pathogenic (1 of 4 stars; one submission).

Submission:

Labcorp Genetics (formerly Invitae), Labcorp
Classification: Likely pathogenic. Last evaluated: 2025-06-01. Review status: criteria provided, single submitter. Criteria: Invitae Variant Classification Sherloc (09022015). Collection method: clinical testing. Allele origin: germline.
Comment: This sequence change affects a donor splice site in intron 6 of the TBX20 gene. It is expected to disrupt RNA splicing. Variants that disrupt the donor or acceptor splice site typically lead to a loss of protein function (PMID: 16199547), and loss-of-function variants in TBX20 are known to be pathogenic (PMID: 15901664, 25625280, 26118961, 27510170). This variant is not present in population databases (gnomAD no frequency). This variant has not been reported in the literature in individuals affected with TBX20-related conditions. Algorithms developed to predict the effect of sequence changes on RNA splicing suggest that this variant may disrupt the consensus splice site. In summary, the currently available evidence indicates that the variant is pathogenic, but additional data are needed to prove that conclusively. Therefore, this variant has been classified as Likely Pathogenic.

Literature cited by the submitters: PubMed 16199547; PubMed 15901664; PubMed 25625280; PubMed 26118961; PubMed 27510170.